The following is an entry in ClinVar:

ClinVar aggregate classification (germline): Uncertain significance (1 of 4 stars; one submission).

Submission:

GeneDx
Classification: Uncertain significance. Last evaluated: 2023-03-30. Review status: criteria provided, single submitter. Criteria: GeneDx Variant Classification Process June 2021. Collection method: clinical testing. Allele origin: germline. Affected: yes.
Comment: Not observed at significant frequency in large population cohorts (gnomAD); In silico analysis supports that this missense variant does not alter protein structure/function; Has not been previously published as pathogenic or benign to our knowledge

NM_000276.4(OCRL):c.578A>G (p.Glu193Gly)

Gene: OCRL (OCRL inositol polyphosphate-5-phosphatase; plus strand). Cytogenetic location: Xq26.1.
Variant type: single nucleotide variant.
Coding change: c.578A>G on transcript NM_000276.4 (MANE Select); coding-DNA position 578, A replaced by G.
Protein change: p.Glu193Gly; replaces glutamic acid 193 with glycine.
Molecular consequence: missense variant.
Genome position (GRCh38, 1-based): chrX:129,558,857, A>G. VCF-style: chrX-129558857-A-G. GRCh37 (hg19) VCF-style: chrX-128692834-A-G.
Other names: c.581A>G, p.Glu194Gly (NM_001318784.2); c.578A>G, p.Glu193Gly (NM_001587.4); short protein forms E193G, E194G.
Identifiers: ClinVar variation 2582176 (VCV002582176.1), dbSNP rs2521878576, ClinGen allele CA414551578.